The following is an entry in ClinVar:

ClinVar aggregate classification (germline): Uncertain significance. Review status: criteria provided, multiple submitters, no conflicts (2 of 4 stars). 2 submissions from 2 submitters: Uncertain significance (2). Last evaluated 2025-11-24.

Conditions:
Gastrointestinal stromal tumor. Also called: Gastrointestinal stromal tumor, somatic; Gastrointestinal stroma tumor. Identifiers: Orphanet 44890, MedGen C0238198, MeSH D046152, MONDO:0011719, OMIM 606764, HP:0100723.
Hereditary cancer-predisposing syndrome. Also called: Neoplastic Syndromes, Hereditary; Tumor predisposition; Hereditary Cancer Syndrome; Hereditary neoplastic syndrome. Identifiers: Orphanet 140162, MedGen C0027672, MeSH D009386, MONDO:0015356.

Submissions (2):

Ambry Genetics
Classification: Uncertain significance for Hereditary cancer-predisposing syndrome. Last evaluated: 2025-11-24. Review status: criteria provided, single submitter. Criteria: Ambry Variant Classification Scheme 2023. Collection method: clinical testing. Allele origin: germline.
Comment: The p.E81K variant (also known as c.241G>A), located in coding exon 2 of the KIT gene, results from a G to A substitution at nucleotide position 241. The glutamic acid at codon 81 is replaced by lysine, an amino acid with similar properties. This amino acid position is conserved. In addition, this alteration is predicted to be tolerated by in silico analysis. Based on the available evidence, the clinical significance of this variant remains unclear.

Labcorp Genetics (formerly Invitae), Labcorp
Classification: Uncertain significance for Gastrointestinal stromal tumor. Last evaluated: 2024-05-22. Review status: criteria provided, single submitter. Criteria: Invitae Variant Classification Sherloc (09022015). Collection method: clinical testing. Allele origin: germline.
Comment: This sequence change replaces glutamic acid, which is acidic and polar, with lysine, which is basic and polar, at codon 81 of the KIT protein (p.Glu81Lys). This variant is not present in population databases (gnomAD no frequency). This variant has not been reported in the literature in individuals affected with KIT-related conditions. An algorithm developed to predict the effect of missense changes on protein structure and function (PolyPhen-2) suggests that this variant is likely to be tolerated. In summary, the available evidence is currently insufficient to determine the role of this variant in disease. Therefore, it has been classified as a Variant of Uncertain Significance.

NM_000222.3(KIT):c.241G>A (p.Glu81Lys)

Gene: KIT (KIT proto-oncogene, receptor tyrosine kinase; plus strand). Cytogenetic location: 4q12.
Variant type: single nucleotide variant.
Coding change: c.241G>A on transcript NM_000222.3 (MANE Select); coding-DNA position 241, G replaced by A.
Protein change: p.Glu81Lys; replaces glutamic acid 81 with lysine.
Molecular consequence: missense variant.
Genome position (GRCh38, 1-based): chr4:54,695,685, G>A. VCF-style: chr4-54695685-G-A. GRCh37 (hg19) VCF-style: chr4-55561851-G-A.
Other names: c.241G>A, p.Glu81Lys (NM_001385290.1, NM_001385292.1, NM_001093772.2 and 4 more transcripts); short protein forms E81K.
Identifiers: ClinVar variation 3709677 (VCV003709677.2).